The following is an entry in ClinVar:

ClinVar aggregate classification (germline): Uncertain significance (1 of 4 stars; one submission).

Conditions:
Hereditary diffuse gastric adenocarcinoma (HDGC). Also called: DIFFUSE GASTRIC AND LOBULAR BREAST CANCER SYNDROME. Identifiers: Orphanet 26106, MedGen C1708349, MONDO:0007648, OMIM 137215.

Submission:

Labcorp Genetics (formerly Invitae), Labcorp
Classification: Uncertain significance for Hereditary diffuse gastric adenocarcinoma. Last evaluated: 2025-05-05. Review status: criteria provided, single submitter. Criteria: Invitae Variant Classification Sherloc (09022015). Collection method: clinical testing. Allele origin: germline.
Comment: This sequence change replaces aspartic acid, which is acidic and polar, with glutamic acid, which is acidic and polar, at codon 747 of the CDH1 protein (p.Asp747Glu). This variant is not present in population databases (gnomAD no frequency). This variant has not been reported in the literature in individuals affected with CDH1-related conditions. ClinVar contains an entry for this variant (Variation ID: 1006371). An algorithm developed to predict the effect of missense changes on protein structure and function (PolyPhen-2) suggests that this variant is likely to be disruptive. In summary, the available evidence is currently insufficient to determine the role of this variant in disease. Therefore, it has been classified as a Variant of Uncertain Significance.

NM_004360.5(CDH1):c.2241C>A (p.Asp747Glu)

Gene: CDH1 (cadherin 1; plus strand). Cytogenetic location: 16q22.1.
Variant type: single nucleotide variant.
Coding change: c.2241C>A on transcript NM_004360.5 (MANE Select); coding-DNA position 2241, C replaced by A.
Protein change: p.Asp747Glu; replaces aspartic acid 747 with glutamic acid.
Molecular consequence: missense variant.
Genome position (GRCh38, 1-based): chr16:68,828,250, C>A. VCF-style: chr16-68828250-C-A. GRCh37 (hg19) VCF-style: chr16-68862153-C-A.
Other names: c.2058C>A, p.Asp686Glu (NM_001317184.2); c.693C>A, p.Asp231Glu (NM_001317185.2); c.276C>A, p.Asp92Glu (NM_001317186.2); short protein forms D231E, D686E, D747E, D92E.
Identifiers: ClinVar variation 1006371 (VCV001006371.9), dbSNP rs1961378823, ClinGen allele CA396469785.